The following is an entry in ClinVar:

ClinVar aggregate classification (germline): Uncertain significance (1 of 4 stars; one submission).

Submission:

GeneDx
Classification: Uncertain significance. Last evaluated: 2024-05-09. Review status: criteria provided, single submitter. Criteria: GeneDx Variant Classification Process June 2021. Collection method: clinical testing. Allele origin: germline. Affected: yes.
Comment: Not observed at significant frequency in large population cohorts (gnomAD); In silico analysis indicates that this missense variant does not alter protein structure/function; Has not been previously published as pathogenic or benign to our knowledge

NM_001244008.2(KIF1A):c.4877A>G (p.Gln1626Arg)

Gene: KIF1A (kinesin family member 1A; minus strand). Cytogenetic location: 2q37.3.
Variant type: single nucleotide variant.
Coding change: c.4877A>G on transcript NM_001244008.2 (MANE Select); coding-DNA position 4877, A replaced by G.
Protein change: p.Gln1626Arg; replaces glutamine 1626 with arginine.
Molecular consequence: missense variant.
Genome position (GRCh38, 1-based): chr2:240,719,918, T>C on the plus strand (A>G on the coding strand, the complement: KIF1A is on the minus strand). VCF-style: chr2-240719918-T-C. GRCh37 (hg19) VCF-style: chr2-241659335-T-C.
Other names: c.4601A>G, p.Gln1534Arg (NM_001320705.2, NM_001379649.1); c.4628A>G, p.Gln1543Arg (NM_001330289.2); c.4676A>G, p.Gln1559Arg (NM_001330290.2, NM_001379648.1); c.4952A>G, p.Gln1651Arg (NM_001379631.1); c.4853A>G, p.Gln1618Arg (NM_001379632.1); c.4850A>G, p.Gln1617Arg (NM_001379633.1, NM_001379645.1); c.4703A>G, p.Gln1568Arg (NM_001379634.1); c.4700A>G, p.Gln1567Arg (NM_001379635.1, NM_001379646.1); and 7 more; short protein forms Q1524R, Q1525R, Q1533R, Q1534R, Q1542R, Q1543R, Q1550R, Q1559R.
Identifiers: ClinVar variation 3375692 (VCV003375692.1).